The following is an entry in ClinVar:

NM_005045.4(RELN):c.5329A>G (p.Ile1777Val)

Gene: RELN (reelin; minus strand). Cytogenetic location: 7q22.1.
Variant type: single nucleotide variant.
Coding change: c.5329A>G on transcript NM_005045.4 (MANE Select); coding-DNA position 5329, A replaced by G.
Protein change: p.Ile1777Val; replaces isoleucine 1777 with valine.
Molecular consequence: missense variant.
Genome position (GRCh38, 1-based): chr7:103,561,835, T>C on the plus strand (A>G on the coding strand, the complement: RELN is on the minus strand). VCF-style: chr7-103561835-T-C. GRCh37 (hg19) VCF-style: chr7-103202282-T-C.
Other names: c.5329A>G, p.Ile1777Val (NM_173054.3); short protein forms I1777V.
Identifiers: ClinVar variation 2938954 (VCV002938954.3), dbSNP rs2484734547, ClinGen allele CA368744383.

ClinVar aggregate classification (germline): Uncertain significance (1 of 4 stars; one submission).

Conditions:
Norman-Roberts syndrome (LIS2). Also called: Lissencephaly 2 (Norman-Roberts type). Identifiers: Orphanet 89844, MedGen C0796089, MONDO:0009760, OMIM 257320.
Familial temporal lobe epilepsy 7. Identifiers: Orphanet 101046, MedGen C4225327, MONDO:0014639, OMIM 616436.

Allele frequency attached by ClinVar (database versions not stated): gnomAD exomes below 0.00001.
gnomAD v4.1: 2 of 1,613,458 alleles (0.00012%); highest among the groups gnomAD compares: Non-Finnish European, 0.00017%; no homozygotes.

Submission:

Labcorp Genetics (formerly Invitae), Labcorp
Classification: Uncertain significance for Familial temporal lobe epilepsy 7; Norman-Roberts syndrome. Last evaluated: 2024-01-08. Review status: criteria provided, single submitter. Criteria: Invitae Variant Classification Sherloc (09022015). Collection method: clinical testing. Allele origin: germline.
Comment: This sequence change replaces isoleucine, which is neutral and non-polar, with valine, which is neutral and non-polar, at codon 1777 of the RELN protein (p.Ile1777Val). This variant is not present in population databases (gnomAD no frequency). This variant has not been reported in the literature in individuals affected with RELN-related conditions. Advanced modeling of protein sequence and biophysical properties (such as structural, functional, and spatial information, amino acid conservation, physicochemical variation, residue mobility, and thermodynamic stability) performed at Invitae indicates that this missense variant is not expected to disrupt RELN protein function with a negative predictive value of 80%. In summary, the available evidence is currently insufficient to determine the role of this variant in disease. Therefore, it has been classified as a Variant of Uncertain Significance.